The following is an entry in ClinVar:

ClinVar aggregate classification (germline): Conflicting classifications of pathogenicity. Review status: criteria provided, conflicting classifications (1 of 4 stars). 4 submissions from 4 submitters: Uncertain significance (2); Likely benign (2). Last evaluated 2026-05-04.

Conditions:
Osteogenesis imperfecta type 13. Also called: Osteogenesis imperfecta, type xiii; OI, TYPE XIII. Identifiers: Orphanet 666, MedGen C3553887, MONDO:0013924, OMIM 614856.

Allele frequency attached by ClinVar (database versions not stated): ExAC 0.00012; ESP Exome Variant Server 0.00015; gnomAD 0.00019 and 0.00021; gnomAD exomes 0.00002 and 0.00010; TOPMed 0.00017.
gnomAD v4.1: 85 of 1,602,244 alleles (0.0053%); highest among the groups gnomAD compares: African/African-American, 0.04%; no homozygotes.

Submissions (4):

Women's Health and Genetics/Laboratory Corporation of America, LabCorp
Classification: Likely benign. Last evaluated: 2026-05-04. Review status: criteria provided, single submitter. Criteria: LabCorp Variant Classification Summary - May 2015. Collection method: clinical testing. Allele origin: germline.

Labcorp Genetics (formerly Invitae), Labcorp
Classification: Likely benign. Last evaluated: 2026-01-19. Review status: criteria provided, single submitter. Criteria: Invitae Variant Classification Sherloc (09022015). Collection method: clinical testing. Allele origin: germline.

ARUP Laboratories, Molecular Genetics and Genomics, ARUP Laboratories
Classification: Uncertain significance for Osteogenesis imperfecta type 13. Last evaluated: 2023-02-28. Review status: criteria provided, single submitter. Criteria: ARUP Molecular Germline Variant Investigation Process 2024. Collection method: clinical testing. Allele origin: germline.
Comment: The BMP1 c.1927-13G>A variant (rs371954727), to our knowledge, is not reported in the medical literature but is reported in ClinVar (Variation ID: 910376). This variant is found in the general population with an overall allele frequency of 0.080% (29/280567 alleles) in the Genome Aggregation Database. This is an intronic variant in a weakly conserved nucleotide, but computational analyses (Alamut Visual Plus v.1.5.1) predict that this variant may impact splicing by weakening the nearby canonical acceptor splice site. However, without functional studies the effect on splicing is unknown. While the high population frequency suggests that this is likely a benign variant, given the lack of clinical and functional data, the significance of this variant is uncertain at this time.

Illumina Laboratory Services, Illumina
Classification: Uncertain significance for Osteogenesis imperfecta type 13. Last evaluated: 2018-01-13. Review status: criteria provided, single submitter. Criteria: ICSL Variant Classification Criteria 13 December 2019. Collection method: clinical testing. Allele origin: germline.

NM_006129.5(BMP1):c.1927-13G>A

Gene: BMP1 (bone morphogenetic protein 1; plus strand). Cytogenetic location: 8p21.3.
Variant type: single nucleotide variant.
Coding change: c.1927-13G>A on transcript NM_006129.5 (MANE Select); 13 bases into the intron before coding-DNA position 1927, G replaced by A.
Molecular consequence: intron variant.
Genome position (GRCh38, 1-based): chr8:22,197,227, G>A. VCF-style: chr8-22197227-G-A. GRCh37 (hg19) VCF-style: chr8-22054740-G-A.
Other names: c.1927-13G>A (NM_001199.4).
Identifiers: ClinVar variation 910376 (VCV000910376.13), dbSNP rs371954727, ClinGen allele CA4664897.